The following is an entry in ClinVar:

ClinVar aggregate classification (germline): Pathogenic. Review status: reviewed by expert panel (3 of 4 stars). 9 submissions from 9 submitters: Pathogenic (1). 8 of the submissions do not count toward it. Last evaluated 2023-08-25.

Conditions:
CDH1-related diffuse gastric and lobular breast cancer syndrome. Also called: CDH1-related diffuse gastric and lobular breast cancer. Identifiers: MedGen CN311521, MONDO:0100488.
Hereditary cancer-predisposing syndrome. Also called: Tumor predisposition; Hereditary neoplastic syndrome; Neoplastic Syndromes, Hereditary; Hereditary Cancer Syndrome. Identifiers: Orphanet 140162, MedGen C0027672, MeSH D009386, MONDO:0015356.
Hereditary diffuse gastric adenocarcinoma (HDGC). Also called: DIFFUSE GASTRIC AND LOBULAR BREAST CANCER SYNDROME. Identifiers: Orphanet 26106, MedGen C1708349, MONDO:0007648, OMIM 137215.
Familial cancer of breast. Also called: BREAST CANCER, FAMILIAL; Hereditary breast cancer; hereditary breast carcinoma. Identifiers: Orphanet 227535, MedGen C0346153, MONDO:0016419, OMIM 114480. Disease mechanism: loss of function.

Submissions (9):

Clingen Gastric Cancer Variant Curation Expert Panel
Classification: Pathogenic for CDH1-related diffuse gastric and lobular breast cancer syndrome. Last evaluated: 2023-08-25. Review status: reviewed by expert panel. Criteria: ClinGen CDH1 ACMG Specifications V3.1. Collection method: curation. Allele origin: germline. Inheritance: Autosomal dominant inheritance.
Comment: The c.2287G>T (p.Glu763Ter) variant results in a premature translational stop signal within the NMD competent region (PVS1, PM5_Supporting). It is absent in the gnomAD cohort (PM2_Supporting). These reports are mostly out of New Zealand and it is unclear if the reported individuals are all part of a larger kindred (PS4_Supporting). In summary, this variant meets criteria to be classified as Pathogenic based on the ACMG/AMP criteria applied as specified by the CDH1 Variant Curation Expert Panel (Variant Interpretation Guidelines Version 3.1): PVS1, PM2_Supporting, PS4_Supporting, PM5_Supporting.

Labcorp Genetics (formerly Invitae), Labcorp
Classification: Pathogenic for Hereditary diffuse gastric adenocarcinoma. Last evaluated: 2026-01-26. Review status: criteria provided, single submitter. Criteria: Invitae Variant Classification Sherloc (09022015). Collection method: clinical testing. Allele origin: germline. Not counted in ClinVar's aggregate classification.
Comment: This sequence change creates a premature translational stop signal (p.Glu763*) in the CDH1 gene. It is expected to result in an absent or disrupted protein product. Loss-of-function variants in CDH1 are known to be pathogenic (PMID: 15235021, 20373070). This variant is not present in population databases (gnomAD no frequency). This premature translational stop signal has been observed in individual(s) with hereditary diffuse gastric cancer (PMID: 15138207, 20373070, 23752020). ClinVar contains an entry for this variant (Variation ID: 136065). For these reasons, this variant has been classified as Pathogenic.

Quest Diagnostics Nichols Institute San Juan Capistrano
Classification: Pathogenic. Last evaluated: 2024-07-16. Review status: criteria provided, single submitter. Criteria: Quest Diagnostics criteria. Collection method: clinical testing. Allele origin: unknown. Not counted in ClinVar's aggregate classification.
Comment: The CDH1 c.2287G>T (p.Glu763*) variant causes the premature termination of CDH1 protein synthesis. This variant has been reported in the published literature in individuals/families affected with gastric cancer (PMIDs: 15138207 (2004), 20373070 (2010), 23752020 (2013), 29589180 (2019)) and breast cancer (PMIDs: 26270727 (2015), 28702897 (2017), 34949788 (2022)). This variant has not been reported in large, multi-ethnic general populations (Genome Aggregation Database). Based on the available information, this variant is classified as pathogenic.

GeneDx
Classification: Pathogenic. Last evaluated: 2024-05-07. Review status: criteria provided, single submitter. Criteria: GeneDx Variant Classification Process June 2021. Collection method: clinical testing. Allele origin: germline. Affected: yes. Not counted in ClinVar's aggregate classification.
Comment: Nonsense variant predicted to result in protein truncation or nonsense mediated decay in a gene for which loss of function is a known mechanism of disease; Observed in individuals with CDH1-related phenotypes referred for genetic testing at GeneDx and in published literature (PMID: 15138207, 20373070, 23752020, 26270727, 29589180, 36246616); Not observed at significant frequency in large population cohorts (gnomAD); This variant is associated with the following publications: (PMID: 22225527, 16527687, 22098830, 20373070, 24424122, 23752020, 23575477, 25525159, 26270727, 20371349, 28702897, 30977389, 30745422, 36063148, 33809393, 15138207, 34949788, 36246616, 26182300, 29589180, 37903316)

Myriad Genetics, Inc.
Classification: Pathogenic for Hereditary diffuse gastric adenocarcinoma. Last evaluated: 2023-06-15. Review status: criteria provided, single submitter. Criteria: Myriad Autosomal Dominant, Autosomal Recessive and X-Linked Classification Criteria (2023). Collection method: clinical testing. Allele origin: unknown. Not counted in ClinVar's aggregate classification.
Comment: This variant is considered pathogenic. This variant creates a termination codon and is predicted to result in premature protein truncation.

Ambry Genetics
Classification: Pathogenic for Hereditary cancer-predisposing syndrome. Last evaluated: 2023-02-08. Review status: criteria provided, single submitter. Criteria: Ambry Variant Classification Scheme 2023. Collection method: clinical testing. Allele origin: germline. Not counted in ClinVar's aggregate classification.
Comment: The p.E763* pathogenic mutation (also known as c.2287G>T), located in coding exon 14 of the CDH1 gene, results from a G to T substitution at nucleotide position 2287. This changes the amino acid from a glutamic acid to a stop codon within coding exon 14. This mutation has been reported in one individual with signet ring cell carcinoma of the stomach who was reportedly from a hereditary diffuse gastric cancer (HDGC) kindred (Charlton A et al. Gut. 2004 Jun;53(6):814-20). This mutation has also been reported in a cohort of 1046 individuals who were appropriate candidates for hereditary breast and ovarian cancer syndrome (HBOC) evaluation and who lacked BRCA1/2 mutations (Desmond A et al. JAMA Oncol. 2015 Oct;1:943-51). In addition to the clinical data presented in the literature, this alteration is expected to result in loss of function by premature protein truncation or nonsense-mediated mRNA decay. As such, this alteration is interpreted as a disease-causing mutation.

Color Diagnostics, LLC DBA Color Health
Classification: Pathogenic for Hereditary cancer-predisposing syndrome. Last evaluated: 2022-08-01. Review status: criteria provided, single submitter. Criteria: ACMG Guidelines, 2015. Collection method: clinical testing. Allele origin: germline. Not counted in ClinVar's aggregate classification.
Comment: This variant changes 1 nucleotide in exon 14 of the CDH1 gene, creating a premature translation stop signal. This variant is expected to result in an absent or non-functional protein product. This variant has been reported in individuals affected with diffuse gastric cancer and lobular breast cancer in the literature (PMID: 15138207, 23575477, 29589180). This variant has not been identified in the general population by the Genome Aggregation Database (gnomAD). Loss of CDH1 function is a known mechanism of disease. Based on the available evidence, this variant is classified as Pathogenic.

Baylor Genetics
Classification: Pathogenic for Familial cancer of breast. Last evaluated: 2021-12-25. Review status: criteria provided, single submitter. Criteria: ACMG Guidelines, 2015. Collection method: clinical testing. Allele origin: unknown. Not counted in ClinVar's aggregate classification.

Women's Health and Genetics/Laboratory Corporation of America, LabCorp
Classification: Likely pathogenic for Hereditary diffuse gastric adenocarcinoma. Last evaluated: 2015-11-20. Review status: criteria provided, single submitter. Criteria: LabCorp Variant Classification Summary - May 2015. Collection method: clinical testing. Allele origin: germline. Not counted in ClinVar's aggregate classification.

Literature cited by the submitters: PubMed 15235021 (cited by Labcorp Genetics (formerly Invitae), Labcorp); PubMed 20373070 (cited by 3 submitters); PubMed 15138207 (cited by 4 submitters); PubMed 23752020 (cited by 4 submitters); PubMed 26270727 (cited by Quest Diagnostics Nichols Institute San Juan Capistrano and Ambry Genetics); PubMed 28702897 (cited by Quest Diagnostics Nichols Institute San Juan Capistrano); PubMed 34949788 (cited by Quest Diagnostics Nichols Institute San Juan Capistrano); PubMed 29589180 (cited by Quest Diagnostics Nichols Institute San Juan Capistrano and Color Diagnostics, LLC DBA Color Health); PubMed 22225527 (cited by Ambry Genetics and Women's Health and Genetics/Laboratory Corporation of America, LabCorp); PubMed 25525159 (cited by Ambry Genetics); PubMed 23575477 (cited by Color Diagnostics, LLC DBA Color Health and Women's Health and Genetics/Laboratory Corporation of America, LabCorp); PubMed 20371349 (cited by Women's Health and Genetics/Laboratory Corporation of America, LabCorp); PubMed 16527687 (cited by Women's Health and Genetics/Laboratory Corporation of America, LabCorp); PubMed 24424122 (cited by Women's Health and Genetics/Laboratory Corporation of America, LabCorp); PubMed 22098830 (cited by Women's Health and Genetics/Laboratory Corporation of America, LabCorp).

NM_004360.5(CDH1):c.2287G>T (p.Glu763Ter)

Gene: CDH1 (cadherin 1; plus strand). Cytogenetic location: 16q22.1.
Variant type: single nucleotide variant.
Coding change: c.2287G>T on transcript NM_004360.5 (MANE Select); coding-DNA position 2287, G replaced by T.
Protein change: p.Glu763Ter; replaces glutamic acid 763 with a stop codon.
Molecular consequence: nonsense.
Genome position (GRCh38, 1-based): chr16:68,828,296, G>T. VCF-style: chr16-68828296-G-T. GRCh37 (hg19) VCF-style: chr16-68862199-G-T.
Other names: c.2287G>T (LRG_301t1); c.2104G>T, p.Glu702Ter (NM_001317184.2); c.739G>T, p.Glu247Ter (NM_001317185.2); c.322G>T, p.Glu108Ter (NM_001317186.2); short protein forms E763*, E108*, E247*, E702*.
Identifiers: ClinVar variation 136065 (VCV000136065.31), dbSNP rs587780787, ClinGen allele CA332835.